The following is an entry in ClinVar:

ClinVar aggregate classification (germline): Likely pathogenic. Review status: criteria provided, multiple submitters, no conflicts (2 of 4 stars). 2 submissions from 2 submitters: Likely pathogenic (2). Last evaluated 2026-01-23.

Conditions:
X-linked Alport syndrome (ATS1). Also called: NEPHROPATHY AND DEAFNESS, X-LINKED; COL4A5-Related Nephropathy. Identifiers: Orphanet 63, Orphanet 88917, MedGen C4746986, MONDO:0010520, OMIM 301050.

Submissions (2):

Labcorp Genetics (formerly Invitae), Labcorp
Classification: Likely pathogenic. Last evaluated: 2026-01-23. Review status: criteria provided, single submitter. Criteria: Invitae Variant Classification Sherloc (09022015). Collection method: clinical testing. Allele origin: germline.
Comment: This sequence change replaces glycine, which is neutral and non-polar, with arginine, which is basic and polar, at codon 814 of the COL4A5 protein (p.Gly814Arg). This variant is not present in population databases (gnomAD no frequency). This missense change has been observed in individuals with X-linked Alport syndrome (PMID: 37100867; internal data). ClinVar contains an entry for this variant (Variation ID: 1333485). Invitae Evidence Modeling of protein sequence and biophysical properties (such as structural, functional, and spatial information, amino acid conservation, physicochemical variation, residue mobility, and thermodynamic stability) indicates that this missense variant is expected to disrupt COL4A5 protein function with a positive predictive value of 95%. This variant disrupts the p.Gly814 amino acid residue in COL4A5. Other variant(s) that disrupt this residue have been observed in individuals with COL4A5-related conditions (PMID: 37225412), which suggests that this may be a clinically significant amino acid residue. In summary, the currently available evidence indicates that the variant is pathogenic, but additional data are needed to prove that conclusively. Therefore, this variant has been classified as Likely Pathogenic.

3billion
Classification: Likely pathogenic for X-linked Alport syndrome. Last evaluated: 2025-12-08. Review status: criteria provided, single submitter. Criteria: ACMG Guidelines, 2015. Collection method: clinical testing. Allele origin: germline. Affected: yes.
Comment: The variant is not observed in the gnomAD v4.1.0 dataset. Predicted Consequence/Location: The variant is located in a mutational hot spot and/or well-established functional domain in which established pathogenic variants have been reported (N/A). In silico tool predictions suggest damaging effect of the variant on gene or gene product [REVEL: 0.93 (>=0.6, sensitivity 0.68 and specificity 0.92); 3Cnet: 0.98 (> 0.75, sensitivity 0.96 and precision 0.92)]. The same nucleotide change resulting in the same amino acid change has been previously reported to be associated with COL4A5-related disorder (ClinVar ID: VCV001333485 /PMID: 37100867 /3billion dataset). A different missense change at the same codon (p.Gly814Glu) has been reported to be associated with COL4A5-related disorder (PMID: 35020912). Therefore, this variant is classified as Likely pathogenic according to the recommendation of ACMG/AMP guideline.

Literature cited by the submitters: PubMed 37100867 (cited by Labcorp Genetics (formerly Invitae), Labcorp and 3billion); PubMed 37225412 (cited by Labcorp Genetics (formerly Invitae), Labcorp); PubMed 35020912 (cited by 3billion).

NM_033380.3(COL4A5):c.2440G>A (p.Gly814Arg)

Gene: COL4A5 (collagen type IV alpha 5 chain; plus strand). Cytogenetic location: Xq22.3.
Variant type: single nucleotide variant.
Coding change: c.2440G>A on transcript NM_033380.3 (MANE Select); coding-DNA position 2440, G replaced by A.
Protein change: p.Gly814Arg; replaces glycine 814 with arginine.
Molecular consequence: missense variant.
Genome position (GRCh38, 1-based): chrX:108,614,955, G>A. VCF-style: chrX-108614955-G-A. GRCh37 (hg19) VCF-style: chrX-107858185-G-A.
Other names: c.2440G>A, p.Gly814Arg (NM_000495.5); short protein forms G814R.
Identifiers: ClinVar variation 1333485 (VCV001333485.3), dbSNP rs2147849915, ClinGen allele CA413849905.